The following is an entry in ClinVar:

ClinVar aggregate classification (germline): Likely benign (1 of 4 stars; one submission).

gnomAD v4.1: 840 of 1,612,702 alleles (0.052%); highest among the groups gnomAD compares: South Asian, 0.87%; 10 homozygotes.

Submission:

CeGaT Center for Human Genetics Tuebingen
Classification: Likely benign. Last evaluated: 2025-11-01. Review status: criteria provided, single submitter. Criteria: CeGaT Center For Human Genetics Tuebingen Variant Classification Criteria Version 2. Collection method: clinical testing. Allele origin: germline. Affected: yes. Observed: 1 variant allele.
Comment: VWA8: BP4

NM_015058.2(VWA8):c.5350C>A (p.Gln1784Lys)

Gene: VWA8 (von Willebrand factor A domain containing 8; minus strand). Cytogenetic location: 13q14.11.
Variant type: single nucleotide variant.
Coding change: c.5350C>A on transcript NM_015058.2 (MANE Select); coding-DNA position 5350, C replaced by A.
Protein change: p.Gln1784Lys; replaces glutamine 1784 with lysine.
Molecular consequence: missense variant.
Genome position (GRCh38, 1-based): chr13:41,575,760, G>T on the plus strand (C>A on the coding strand, the complement: VWA8 is on the minus strand). VCF-style: chr13-41575760-G-T. GRCh37 (hg19) VCF-style: chr13-42149896-G-T.
Other names: short protein forms Q1784K.
Identifiers: ClinVar variation 4533813 (VCV004533813.6).